The following is an entry in ClinVar:

GRCh37/hg19 15q24.1-24.2(chr15:72943184-76072324)x1

Genes: ADPGK (ADP dependent glucokinase; minus strand), ARID3B (AT-rich interaction domain 3B; plus strand), BBS4 (Bardet-Biedl syndrome 4; plus strand), C15orf39 (chromosome 15 open reading frame 39; plus strand), CCDC33 (coiled-coil domain containing 33; plus strand) and 45 more. Cytogenetic location: 15q24.1-24.2.
Variant type: copy number loss.
Change: copy number 1 (one copy instead of two) of chr15:72,943,184-76,072,324 (3.13 Mb, GRCh37 coordinates, 1-based), cytogenetic band 15q24.1-24.2.
Identifiers: ClinVar variation 564215 (VCV000564215.2).

ClinVar aggregate classification (germline): Pathogenic (1 of 4 stars; one submission).

Submission:

Quest Diagnostics Nichols Institute San Juan Capistrano
Classification: Pathogenic. Last evaluated: 2024-11-06. Review status: criteria provided, single submitter. Criteria: ACMG/ClinGen CNV Guidelines, 2019. Collection method: clinical testing. Allele origin: unknown.
Comment: This 15q24.1q24.2 deletion involves at least 51 protein-coding genes and is consistent with the 15q24 recurrent region (LCR A-LCR D; ISCA-37396), which is associated with 15q24 deletion syndrome (Chen 2020, Liu 2020, Magoulas 2012, Zhang 2021). In addition, this deletion contains multiple candidate genes that may predispose to specific features associated with this region (Liu 2020, Magoulas 2012, Witteveen 2016). There are no similar copy number losses of this region in the general populations of the Database of Genomic Variants. Thus, this copy number variant (CNV) is classified as pathogenic. References: Chen et al., Taiwan J Obstet Gynecol. 2020 May;59(3):432-436. PMID: 32416893 Liu et al., Am J Med Genet B Neuropsychiatr Genet. 2020 Jun;183(4):217-226. PMID: 31953991 Magoulas et al., Orphanet J Rare Dis. 2012 Jan 4:7:2. PMID: 22216833 Witteveen et al., Nat Genet. 2016 Aug;48(8):877-87. PMID: 27399968 Zhang et al., Mol Cytogenet. 2021 Dec 18;14(1):57. PMID: 34922566